The following is an entry in ClinVar:

ClinVar aggregate classification (germline): Uncertain significance (1 of 4 stars; one submission).

gnomAD v4.1: 2 of 1,613,862 alleles (0.00012%); highest among the groups gnomAD compares: East Asian, 0.0022%; no homozygotes.

Submission:

Ambry Genetics
Classification: Uncertain significance. Last evaluated: 2025-06-28. Review status: criteria provided, single submitter. Criteria: Ambry Variant Classification Scheme 2023. Collection method: clinical testing. Allele origin: germline.
Comment: The p.Q220E variant (also known as c.658C>G), located in coding exon 1 of the EGLN1 gene, results from a C to G substitution at nucleotide position 658. The glutamine at codon 220 is replaced by glutamic acid, an amino acid with highly similar properties. This amino acid position is conserved. In addition, this alteration is predicted to be tolerated by in silico analysis. Based on the available evidence, the clinical significance of this variant remains unclear.

NM_022051.3(EGLN1):c.658C>G (p.Gln220Glu)

Gene: EGLN1 (egl-9 family hypoxia inducible factor 1; minus strand). Cytogenetic location: 1q42.2.
Variant type: single nucleotide variant.
Coding change: c.658C>G on transcript NM_022051.3 (MANE Select); coding-DNA position 658, C replaced by G.
Protein change: p.Gln220Glu; replaces glutamine 220 with glutamic acid.
Molecular consequence: missense variant.
Genome position (GRCh38, 1-based): chr1:231,421,231, G>C on the plus strand (C>G on the coding strand, the complement: EGLN1 is on the minus strand). VCF-style: chr1-231421231-G-C. GRCh37 (hg19) VCF-style: chr1-231556977-G-C.
Other names: c.658C>G, p.Gln220Glu (NM_001377260.1, NM_001377261.1); short protein forms Q220E.
Identifiers: ClinVar variation 4247377 (VCV004247377.1).